The following is an entry in ClinVar:

ClinVar aggregate classification (germline): Uncertain significance (1 of 4 stars; one submission).

gnomAD v4.1: 5 of 1,581,224 alleles (0.00032%); highest among the groups gnomAD compares: Non-Finnish European, 0.00043%; no homozygotes.

Submission:

Labcorp Genetics (formerly Invitae), Labcorp
Classification: Uncertain significance. Last evaluated: 2023-06-13. Review status: criteria provided, single submitter. Criteria: Invitae Variant Classification Sherloc (09022015). Collection method: clinical testing. Allele origin: germline.
Comment: ClinVar contains an entry for this variant (Variation ID: 1364850). This sequence change replaces proline, which is neutral and non-polar, with leucine, which is neutral and non-polar, at codon 72 of the TGFB1 protein (p.Pro72Leu). This variant is not present in population databases (gnomAD no frequency). This variant has not been reported in the literature in individuals affected with TGFB1-related conditions. Advanced modeling of protein sequence and biophysical properties (such as structural, functional, and spatial information, amino acid conservation, physicochemical variation, residue mobility, and thermodynamic stability) performed at Invitae indicates that this missense variant is not expected to disrupt TGFB1 protein function. In summary, the available evidence is currently insufficient to determine the role of this variant in disease. Therefore, it has been classified as a Variant of Uncertain Significance.

NM_000660.7(TGFB1):c.215C>T (p.Pro72Leu)

Genes: TGFB1 (transforming growth factor beta 1; minus strand), LOC130064510 (ATAC-STARR-seq lymphoblastoid silent region 10661; plus strand). Cytogenetic location: 19q13.2.
Variant type: single nucleotide variant.
Coding change: c.215C>T on transcript NM_000660.7 (MANE Select); coding-DNA position 215, C replaced by T.
Protein change: p.Pro72Leu; replaces proline 72 with leucine.
Molecular consequence: missense variant.
Genome position (GRCh38, 1-based): chr19:41,352,830, G>A on the plus strand (C>T on the coding strand, the complement: TGFB1 is on the minus strand). VCF-style: chr19-41352830-G-A. GRCh37 (hg19) VCF-style: chr19-41858735-G-A.
Other names: short protein forms P72L.
Identifiers: ClinVar variation 1364850 (VCV001364850.8), dbSNP rs774505337, ClinGen allele CA406005516.
Genomic context (GRCh38, chr19:41,352,830, plus strand): 5'-CTCTCCCCGGCCACCCGGTCGCGGGTGCTGTTGTACAGGGCGAGCACGGCCTCGGGCAGC[G>A]GGCCGGGCGGCACCTCCCCCTGGCTCGGGGGGCTGGCGAGCCGCAGCTTGGACAGGATCT-3'
Protein context (NP_000651.3, residues 62-82): PPSQGEVPPG[Pro72Leu]LPEAVLALYN